The following is an entry in ClinVar:

ClinVar aggregate classification (germline): Benign (0 of 4 stars; one submission).

Conditions:
FBXO47-related disorder. Also called: FBXO47-related condition.

Allele frequency attached by ClinVar (database versions not stated): 1000 Genomes Project 0.00040; 1000 Genomes Project 30x 0.00062; gnomAD 0.00100; TOPMed 0.00114; ESP Exome Variant Server 0.00131.

Submission:

PreventionGenetics, part of Exact Sciences
Classification: Benign for FBXO47-related condition. Last evaluated: 2019-07-31. Review status: no assertion criteria provided. Collection method: clinical testing. Allele origin: germline.
Comment: This variant is classified as benign based on ACMG/AMP sequence variant interpretation guidelines (Richards et al. 2015 PMID: 25741868, with internal and published modifications).

NM_001008777.3(FBXO47):c.33G>A (p.Leu11=)

Gene: FBXO47 (F-box protein 47; minus strand). Cytogenetic location: 17q12.
Variant type: single nucleotide variant.
Coding change: c.33G>A on transcript NM_001008777.3 (MANE Select); coding-DNA position 33, G replaced by A.
Protein change: p.Leu11=; no amino-acid change (leucine 11 retained).
Molecular consequence: synonymous variant.
Genome position (GRCh38, 1-based): chr17:38,962,993, C>T on the plus strand (G>A on the coding strand, the complement: FBXO47 is on the minus strand). VCF-style: chr17-38962993-C-T. GRCh37 (hg19) VCF-style: chr17-37119246-C-T.
Identifiers: ClinVar variation 3035263 (VCV003035263.2), dbSNP rs140430888, ClinGen allele CA8527400.